The following is an entry in ClinVar:

NM_001134673.4(NFIA):c.317C>T (p.Ser106Phe)

Gene: NFIA (nuclear factor I A; plus strand). Cytogenetic location: 1p31.3.
Variant type: single nucleotide variant.
Coding change: c.317C>T on transcript NM_001134673.4 (MANE Select); coding-DNA position 317, C replaced by T.
Protein change: p.Ser106Phe; replaces serine 106 with phenylalanine.
Molecular consequence: missense variant.
Genome position (GRCh38, 1-based): chr1:61,088,438, C>T. VCF-style: chr1-61088438-C-T. GRCh37 (hg19) VCF-style: chr1-61554110-C-T.
Other names: c.293C>T, p.Ser98Phe (NM_001145511.2); c.452C>T, p.Ser151Phe (NM_001145512.2); c.317C>T, p.Ser106Phe (NM_005595.5); short protein forms S106F, S151F, S98F.
Identifiers: ClinVar variation 3897106 (VCV003897106.1).

ClinVar aggregate classification (germline): Uncertain significance (1 of 4 stars; one submission).

Submission:

GeneDx
Classification: Uncertain significance. Last evaluated: 2024-11-01. Review status: criteria provided, single submitter. Criteria: GeneDx Variant Classification Process June 2021. Collection method: clinical testing. Allele origin: germline. Affected: yes.
Comment: Not observed at significant frequency in large population cohorts (gnomAD); In silico analysis supports that this missense variant has a deleterious effect on protein structure/function; Has not been previously published as pathogenic or benign to our knowledge